The following is an entry in ClinVar:

NM_001122630.2(CDKN1C):c.506C>G (p.Pro169Arg)

Gene: CDKN1C (cyclin dependent kinase inhibitor 1C; minus strand). Cytogenetic location: 11p15.4.
Variant type: single nucleotide variant.
Coding change: c.506C>G on transcript NM_001122630.2 (MANE Select); coding-DNA position 506, C replaced by G.
Protein change: p.Pro169Arg; replaces proline 169 with arginine.
Molecular consequence: missense variant. On other transcripts: intron variant (1).
Genome position (GRCh38, 1-based): chr11:2,884,951, G>C on the plus strand (C>G on the coding strand, the complement: CDKN1C is on the minus strand). VCF-style: chr11-2884951-G-C. GRCh37 (hg19) VCF-style: chr11-2906181-G-C.
Other names: c.539C>G, p.Pro180Arg (LRG_533t1, NM_000076.2, NM_001362474.2); c.506C>G, p.Pro169Arg (NM_001122631.2); c.255+251C>G (NM_001362475.2); short protein forms P169R, P180R.
Identifiers: ClinVar variation 651967 (VCV000651967.8), dbSNP rs113374868, ClinGen allele CA379146503.

ClinVar aggregate classification (germline): Uncertain significance (1 of 4 stars; one submission).

Conditions:
Beckwith-Wiedemann syndrome (BWS). Also called: Exomphalos macroglossia gigantism syndrome; EMG SYNDROME. Identifiers: Orphanet 116, MedGen C0004903, MONDO:0007534, OMIM 130650.

Submission:

Labcorp Genetics (formerly Invitae), Labcorp
Classification: Uncertain significance for Beckwith-Wiedemann syndrome. Last evaluated: 2022-02-25. Review status: criteria provided, single submitter. Criteria: Invitae Variant Classification Sherloc (09022015). Collection method: clinical testing. Allele origin: germline.
Comment: In summary, the available evidence is currently insufficient to determine the role of this variant in disease. Therefore, it has been classified as a Variant of Uncertain Significance. Algorithms developed to predict the effect of missense changes on protein structure and function are either unavailable or do not agree on the potential impact of this missense change (SIFT: "Tolerated"; PolyPhen-2: "Not Available"; Align-GVGD: "Class C0"). ClinVar contains an entry for this variant (Variation ID: 651967). This variant has not been reported in the literature in individuals affected with CDKN1C-related conditions. The frequency data for this variant in the population databases is considered unreliable, as metrics indicate insufficient coverage at this position in the gnomAD database. This sequence change replaces proline, which is neutral and non-polar, with arginine, which is basic and polar, at codon 180 of the CDKN1C protein (p.Pro180Arg).